The following is an entry in ClinVar:

ClinVar aggregate classification (germline): Likely pathogenic (1 of 4 stars; one submission).

Conditions:
Mucopolysaccharidosis, MPS-III-A (MPS3A). Also called: Mucopolysaccharidosis, type IIIA; mucopolysaccharidosis type 3A; MPS IIIA (Sanfilippo Syndrome Type A); HEPARAN SULFATE SULFATASE DEFICIENCY; SANFILIPPO SYNDROME A; SULFAMIDASE DEFICIENCY. Identifiers: Orphanet 581, Orphanet 79269, MedGen C0086647, MONDO:0009655, OMIM 252900.

Submission:

Natera, Inc.
Classification: Likely pathogenic for Mucopolysaccharidosis type IIIA. Last evaluated: 2024-07-02. Review status: criteria provided, single submitter. Criteria: Natera Variant Classification Schema (03/2026). Collection method: clinical testing. Allele origin: germline.
Comment: The c.1269G>A variant in SGSH is a nonsense variant predicted to introduce a stop codon at amino acid 423. This variant is expected to result in nonsense mediated decay, truncation, or a dysfunctional protein product. This variant is rare in the general population with a frequency below the threshold expected for the associated phenotype(s). Given the available evidence, this variant is classified as Likely Pathogenic.

NM_000199.5(SGSH):c.1269G>A (p.Trp423Ter)

Gene: SGSH (N-sulfoglucosamine sulfohydrolase; minus strand). Cytogenetic location: 17q25.3.
Variant type: single nucleotide variant.
Coding change: c.1269G>A on transcript NM_000199.5 (MANE Select); coding-DNA position 1269, G replaced by A.
Protein change: p.Trp423Ter; replaces tryptophan 423 with a stop codon.
Molecular consequence: nonsense. On other transcripts: 3 prime UTR variant (2), non-coding transcript variant (1).
Genome position (GRCh38, 1-based): chr17:80,210,692, C>T on the plus strand (G>A on the coding strand, the complement: SGSH is on the minus strand). VCF-style: chr17-80210692-C-T. GRCh37 (hg19) VCF-style: chr17-78184491-C-T.
Other names: c.*356G>A (NM_001352921.3); c.*319G>A (NM_001352922.2); short protein forms W423*.
Identifiers: ClinVar variation 4817904 (VCV004817904.1).